The following is an entry in ClinVar:

ClinVar aggregate classification (germline): Uncertain significance (1 of 4 stars; one submission).

Conditions:
Emery-Dreifuss muscular dystrophy (EDMD). Also called: Scapuloperoneal syndrome, X-linked (formerly); Humeroperoneal neuromuscular disease, (formerly). Identifiers: Orphanet 261, MedGen C0410189, MONDO:0016830.

gnomAD v4.1: 1 of 1,611,236 alleles (0.000062%); highest among the groups gnomAD compares: Non-Finnish European, 0.000085%; no homozygotes.

Submission:

Labcorp Genetics (formerly Invitae), Labcorp
Classification: Uncertain significance for Emery-Dreifuss muscular dystrophy. Last evaluated: 2025-11-01. Review status: criteria provided, single submitter. Criteria: Invitae Variant Classification Sherloc (09022015). Collection method: clinical testing. Allele origin: germline.
Comment: This sequence change affects an acceptor splice site in intron 10 of the SUN1 gene. It is expected to disrupt RNA splicing. Variants that disrupt the donor or acceptor splice site typically lead to a loss of protein function (PMID: 16199547), however the current clinical and genetic evidence is not sufficient to establish whether loss-of-function variants in SUN1 cause disease. This variant is not present in population databases (gnomAD no frequency). This variant has not been reported in the literature in individuals affected with SUN1-related conditions. Algorithms developed to predict the effect of sequence changes on RNA splicing suggest that this variant may disrupt the consensus splice site. In summary, the available evidence is currently insufficient to determine the role of this variant in disease. Therefore, it has been classified as a Variant of Uncertain Significance.

Literature cited by the submitters: PubMed 16199547.

NM_001130965.3(SUN1):c.1264-1G>C

Gene: SUN1 (Sad1 and UNC84 domain containing 1; plus strand). Cytogenetic location: 7p22.3.
Variant type: single nucleotide variant.
Coding change: c.1264-1G>C on transcript NM_001130965.3 (MANE Select); the canonical splice acceptor site of the intron before coding-DNA position 1264, G replaced by C.
Molecular consequence: splice acceptor variant.
Genome position (GRCh38, 1-based): chr7:854,919, G>C. VCF-style: chr7-854919-G-C. GRCh37 (hg19) VCF-style: chr7-894556-G-C.
Other names: c.1264-1G>C (NM_001367634.1, NM_001367633.1, NM_001367653.1); c.1678-1G>C (NM_001367651.1); c.1291-1G>C (NM_001367669.1); c.1657-1G>C (NM_001367705.1, NM_001367703.1); c.1654-1G>C (NM_001367678.1, NM_001367699.1, NM_001367687.1); c.1555-1G>C (NM_001367690.1); c.1546-1G>C (NM_001367641.1, NM_001367682.1); c.1543-1G>C (NM_001367698.1); and 43 more.
Identifiers: ClinVar variation 4729857 (VCV004729857.1).